The following is an entry in ClinVar:

ClinVar aggregate classification (germline): Conflicting classifications of pathogenicity. Review status: criteria provided, conflicting classifications (1 of 4 stars). 7 submissions from 7 submitters: Uncertain significance (6); Likely benign (1). Last evaluated 2025-11-06.

Conditions:
Myofibrillar myopathy 4. Also called: Zaspopathy (type). Identifiers: Orphanet 98912, MedGen C4721886, MONDO:0012277, OMIM 609452.
Cardiovascular phenotype. Identifiers: MedGen CN230736.
Dilated cardiomyopathy 1C (CMD1C). Also called: CARDIOMYOPATHY, DILATED, 1C, WITH OR WITHOUT LEFT VENTRICULAR NONCOMPACTION; Cardiomyopathy, dilated, 1C, with or without LVNC. Identifiers: Orphanet 154, Orphanet 54260, MedGen C1832244, MONDO:0011094, OMIM 601493.

Allele frequency attached by ClinVar (database versions not stated): gnomAD 0.00001; ExAC 0.00001; TOPMed 0.00002; gnomAD exomes 0.00002.
gnomAD v4.1: 31 of 1,612,930 alleles (0.0019%); highest among the groups gnomAD compares: Non-Finnish European, 0.0025%; no homozygotes.

Submissions (7):

Labcorp Genetics (formerly Invitae), Labcorp
Classification: Uncertain significance for Myofibrillar myopathy 4. Last evaluated: 2025-11-06. Review status: criteria provided, single submitter. Criteria: Invitae Variant Classification Sherloc (09022015). Collection method: clinical testing. Allele origin: germline.
Comment: The LDB3 gene has multiple clinically relevant transcripts. This variant occurs in alternate transcript NM_007078.3, and corresponds to NM_001080116.1:c.*10598A>G in the primary transcript. This sequence change replaces serine, which is neutral and polar, with glycine, which is neutral and non-polar, at codon 385 of the LDB3 protein (p.Ser385Gly). This variant is present in population databases (rs777547764, gnomAD 0.004%). This variant has not been reported in the literature in individuals affected with LDB3-related conditions. An algorithm developed to predict the effect of missense changes on protein structure and function outputs the following: PolyPhen-2: "Not Available". The glycine amino acid residue is found in multiple mammalian species, which suggests that this missense change does not adversely affect protein function. In summary, the available evidence is currently insufficient to determine the role of this variant in disease. Therefore, it has been classified as a Variant of Uncertain Significance.

Ambry Genetics
Classification: Uncertain significance for Cardiovascular phenotype. Last evaluated: 2025-03-10. Review status: criteria provided, single submitter. Criteria: Ambry Variant Classification Scheme 2023. Collection method: clinical testing. Allele origin: germline.
Comment: The p.S385G variant (also known as c.1153A>G), located in coding exon 8 of the LDB3 gene, results from an A to G substitution at nucleotide position 1153. The serine at codon 385 is replaced by glycine, an amino acid with similar properties. This amino acid position is not well conserved in available vertebrate species. In addition, this alteration is predicted to be tolerated by in silico analysis. Since supporting evidence is limited at this time, the clinical significance of this alteration remains unclear.

Blueprint Genetics
Classification: Likely benign. Last evaluated: 2024-07-01. Review status: criteria provided, single submitter. Criteria: ACMG Guidelines, 2015. Collection method: clinical testing. Allele origin: germline.

Women's Health and Genetics/Laboratory Corporation of America, LabCorp
Classification: Uncertain significance. Last evaluated: 2023-06-06. Review status: criteria provided, single submitter. Criteria: LabCorp Variant Classification Summary - May 2015. Collection method: clinical testing. Allele origin: germline.
Comment: Variant summary: LDB3 c.1153A>G (p.Ser385Gly) results in a non-conservative amino acid change in the encoded protein sequence. Three of five in-silico tools predict a damaging effect of the variant on protein function. The variant allele was found at a frequency of 1.6e-05 in 248778 control chromosomes (gnomAD). The available data on variant occurrences in the general population are insufficient to allow any conclusion about variant significance. To our knowledge, no occurrence of c.1153A>G in individuals affected with Cardiomyopathy and no experimental evidence demonstrating its impact on protein function have been reported. Five clinical diagnostic laboratories have submitted clinical-significance assessments for this variant to ClinVar after 2014 and all classified the variant as uncertain significance. Based on the evidence outlined above, the variant was classified as uncertain significance.

Fulgent Genetics
Classification: Uncertain significance for Dilated cardiomyopathy 1C; Myofibrillar myopathy 4. Last evaluated: 2021-07-23. Review status: criteria provided, single submitter. Criteria: ACMG Guidelines, 2015. Collection method: clinical testing. Allele origin: unknown.

Molecular Diagnostic Laboratory for Inherited Cardiovascular Disease, Montreal Heart Institute
Classification: Uncertain significance. Last evaluated: 2017-03-31. Review status: criteria provided, single submitter. Criteria: ACMG Guidelines, 2015. Collection method: clinical testing. Allele origin: germline. Affected: yes.

Laboratory for Molecular Medicine, Mass General Brigham Personalized Medicine
Classification: Uncertain significance. Last evaluated: 2015-10-01. Review status: criteria provided, single submitter. Criteria: LMM Criteria. Collection method: clinical testing. Allele origin: germline. Observed: 1 variant allele.
Comment: Variant classified as Uncertain Significance - Favor Benign. The p.Ser385Gly var iant in LDB3 has not been previously reported in individuals with cardiomyopathy , but has been identified in 1/63978 European chromosomes by the Exome Aggregati on Consortium (ExAC). Serine (Ser) at position 3 85 is not conserved in mammals or evolutionarily distant species and 9 species, including 3 mammals (Elephant, Elephant Shrew, Cape Golden Mole) carry a glycine (Gly) at this position, raising the possibility that this change may be tolerat ed. In summary, while the clinical significance of the p.Ser385Gly variant is un certain, these data suggest that it is more likely to be benign.

NM_007078.3(LDB3):c.1153A>G (p.Ser385Gly)

Gene: LDB3 (LIM domain binding 3; plus strand). Cytogenetic location: 10q23.2.
Variant type: single nucleotide variant.
Coding change: c.1153A>G on transcript NM_007078.3 (MANE Select); coding-DNA position 1153, A replaced by G.
Protein change: p.Ser385Gly; replaces serine 385 with glycine.
Molecular consequence: missense variant.
Genome position (GRCh38, 1-based): chr10:86,709,972, A>G. VCF-style: chr10-86709972-A-G. GRCh37 (hg19) VCF-style: chr10-88469729-A-G.
Other names: c.823A>G, p.Ser275Gly (NM_001080114.2); c.1168A>G, p.Ser390Gly (NM_001171610.2); c.964A>G, p.Ser322Gly (NM_001368064.1, NM_001368065.1); c.1012A>G, p.Ser338Gly (NM_001368066.1); short protein forms S385G, S338G, S275G, S322G, S390G.
Identifiers: ClinVar variation 228793 (VCV000228793.21), dbSNP rs777547764, ClinGen allele CA5585066.